The following is an entry in ClinVar:

NM_001105192.3(TLE3):c.203C>T (p.Ser68Phe)

Gene: TLE3 (TLE family member 3, transcriptional corepressor; minus strand). Cytogenetic location: 15q23.
Variant type: single nucleotide variant.
Coding change: c.203C>T on transcript NM_001105192.3 (MANE Select); coding-DNA position 203, C replaced by T.
Protein change: p.Ser68Phe; replaces serine 68 with phenylalanine.
Molecular consequence: missense variant.
Genome position (GRCh38, 1-based): chr15:70,094,563, G>A on the plus strand (C>T on the coding strand, the complement: TLE3 is on the minus strand). VCF-style: chr15-70094563-G-A. GRCh37 (hg19) VCF-style: chr15-70386902-G-A.
Other names: c.203C>T, p.Ser68Phe (NM_001282979.2, NM_001282980.2, NM_001438147.1 and 6 more transcripts); c.182C>T, p.Ser61Phe (NM_001282981.2); c.5C>T, p.Ser2Phe (NM_001282982.2); short protein forms S61F, S2F, S68F.
Identifiers: ClinVar variation 4992851 (VCV004992851.1).

ClinVar aggregate classification (germline): Uncertain significance (1 of 4 stars; one submission).

Conditions:
TLE3-related condition.

Submission:

PreventionGenetics, part of Exact Sciences
Classification: Uncertain significance for TLE3-related condition. Last evaluated: 2026-09-16. Review status: criteria provided, single submitter. Criteria: ACMG Guidelines, 2015. Collection method: clinical testing. Allele origin: germline.
Comment: The TLE3 c.203C>T variant is predicted to result in the amino acid substitution p.Ser68Phe. To our knowledge, this variant has not been reported in the literature or in a large population database (gnomAD), indicating this variant is rare. At this time, the clinical significance of this variant is uncertain due to the absence of conclusive functional and genetic evidence.